The following is an entry in ClinVar:

ClinVar aggregate classification (germline): Uncertain significance. Review status: criteria provided, multiple submitters, no conflicts (2 of 4 stars). 5 submissions from 5 submitters: Uncertain significance (5). Last evaluated 2025-10-21.

Conditions:
Inborn genetic diseases. Identifiers: MedGen C0950123, MeSH D030342.
Fetal akinesia deformation sequence 1 (FADS1). Also called: Pena-Shokeir syndrome type I; Fetal akinesia sequence. Identifiers: Orphanet 994, MedGen C1276035, MONDO:0100101, OMIM 208150, HP:0001989.
Congenital myasthenic syndrome 10. Also called: Myasthenia, limb-girdle, familial. Identifiers: Orphanet 590, MedGen C1850792, MONDO:0009690, OMIM 254300.

Allele frequency attached by ClinVar (database versions not stated): ESP Exome Variant Server 0.00008; gnomAD 0.00013; TOPMed 0.00016.
gnomAD v4.1: 58 of 1,572,398 alleles (0.0037%); highest among the groups gnomAD compares: East Asian, 0.037%; no homozygotes.

Submissions (5):

Ambry Genetics
Classification: Uncertain significance for Inborn genetic diseases. Last evaluated: 2025-10-21. Review status: criteria provided, single submitter. Criteria: Ambry Variant Classification Scheme 2023. Collection method: clinical testing. Allele origin: germline.

GeneDx
Classification: Uncertain significance. Last evaluated: 2025-03-18. Review status: criteria provided, single submitter. Criteria: GeneDx Variant Classification Process June 2021. Collection method: clinical testing. Allele origin: germline. Affected: yes.
Comment: In silico analysis indicates that this missense variant does not alter protein structure/function; Has not been previously published as pathogenic or benign to our knowledge

CeGaT Center for Human Genetics Tuebingen
Classification: Uncertain significance. Last evaluated: 2023-04-01. Review status: criteria provided, single submitter. Criteria: CeGaT Center For Human Genetics Tuebingen Variant Classification Criteria Version 2. Collection method: clinical testing. Allele origin: germline. Affected: yes. Observed: 1 variant allele.

Labcorp Genetics (formerly Invitae), Labcorp
Classification: Uncertain significance for Congenital myasthenic syndrome 10; Fetal akinesia deformation sequence 1. Last evaluated: 2022-10-24. Review status: criteria provided, single submitter. Criteria: Invitae Variant Classification Sherloc (09022015). Collection method: clinical testing. Allele origin: germline.
Comment: This sequence change replaces alanine, which is neutral and non-polar, with valine, which is neutral and non-polar, at codon 251 of the DOK7 protein (p.Ala251Val). The frequency data for this variant in the population databases is considered unreliable, as metrics indicate poor data quality at this position in the gnomAD database. This variant has not been reported in the literature in individuals affected with DOK7-related conditions. ClinVar contains an entry for this variant (Variation ID: 575311). Algorithms developed to predict the effect of missense changes on protein structure and function output the following: SIFT: "Tolerated"; PolyPhen-2: "Benign"; Align-GVGD: "Class C0". The valine amino acid residue is found in multiple mammalian species, which suggests that this missense change does not adversely affect protein function. In summary, the available evidence is currently insufficient to determine the role of this variant in disease. Therefore, it has been classified as a Variant of Uncertain Significance.

Revvity Omics, Revvity
Classification: Uncertain significance. Last evaluated: 2020-02-13. Review status: criteria provided, single submitter. Criteria: ACMG Guidelines, 2015. Collection method: clinical testing. Allele origin: germline.

NM_173660.5(DOK7):c.752C>T (p.Ala251Val)

Genes: DOK7 (docking protein 7; plus strand), LOC129992118 (ATAC-STARR-seq lymphoblastoid silent region 15206; plus strand). Cytogenetic location: 4p16.3.
Variant type: single nucleotide variant.
Coding change: c.752C>T on transcript NM_173660.5 (MANE Select); coding-DNA position 752, C replaced by T.
Protein change: p.Ala251Val; replaces alanine 251 with valine.
Molecular consequence: missense variant. On other transcripts: synonymous variant (1), 5 prime UTR variant (1).
Genome position (GRCh38, 1-based): chr4:3,489,776, C>T. VCF-style: chr4-3489776-C-T. GRCh37 (hg19) VCF-style: chr4-3491503-C-T.
Other names: c.741C>T, p.Cys247= (NM_001164673.2); c.-179C>T (NM_001256896.2); c.752C>T, p.Ala251Val (NM_001301071.2); c.320C>T, p.Ala107Val (NM_001363811.2); short protein forms A251V, A107V.
Identifiers: ClinVar variation 575311 (VCV000575311.38), dbSNP rs376251309, ClinGen allele CA2829169.